The following is an entry in ClinVar:

ClinVar aggregate classification (germline): Uncertain significance (1 of 4 stars; one submission).

gnomAD v4.1: 4 of 1,540,444 alleles (0.00026%); highest among the groups gnomAD compares: African/African-American, 0.0059%; no homozygotes.

Submission:

Ambry Genetics
Classification: Uncertain significance. Last evaluated: 2026-01-03. Review status: criteria provided, single submitter. Criteria: Ambry Variant Classification Scheme 2023. Collection method: clinical testing. Allele origin: germline.
Comment: The p.L992P variant (also known as c.2975T>C), located in coding exon 11 of the WNK2 gene, results from a T to C substitution at nucleotide position 2975. The leucine at codon 992 is replaced by proline, an amino acid with similar properties. This amino acid position is conserved. In addition, this alteration is predicted to be tolerated by in silico analysis. Based on the available evidence, the clinical significance of this variant remains unclear.

NM_006648.4(WNK2):c.2975T>C (p.Leu992Pro)

Gene: WNK2 (WNK lysine deficient protein kinase 2; plus strand). Cytogenetic location: 9q22.31.
Variant type: single nucleotide variant.
Coding change: c.2975T>C on transcript NM_006648.4 (MANE Select); coding-DNA position 2975, T replaced by C.
Protein change: p.Leu992Pro; replaces leucine 992 with proline.
Molecular consequence: missense variant.
Genome position (GRCh38, 1-based): chr9:93,259,523, T>C. VCF-style: chr9-93259523-T-C. GRCh37 (hg19) VCF-style: chr9-96021805-T-C.
Other names: c.2975T>C, p.Leu992Pro (NM_001282394.3); short protein forms L992P.
Identifiers: ClinVar variation 4842117 (VCV004842117.1).